The following is an entry in ClinVar:

ClinVar aggregate classification (germline): Conflicting classifications of pathogenicity. Review status: criteria provided, conflicting classifications (1 of 4 stars). 9 submissions from 9 submitters: Uncertain significance (1); Benign (1); Likely benign (4). 3 of the submissions do not count toward it. Last evaluated 2026-07-01.

Conditions:
COL9A1-related disorder. Also called: COL9A1-related condition; COL9A1-related disorders.

Allele frequency attached by ClinVar (database versions not stated): 1000 Genomes Project 0.00160; 1000 Genomes Project 30x 0.00172; TOPMed 0.00197; gnomAD 0.00204 and 0.00207; gnomAD exomes 0.00214 and 0.00323; ExAC 0.00224; ESP Exome Variant Server 0.00252.
gnomAD v4.1: 4,932 of 1,613,478 alleles (0.31%); highest among the groups gnomAD compares: Non-Finnish European, 0.4%; 7 homozygotes.

Submissions (9):

CeGaT Center for Human Genetics Tuebingen
Classification: Likely benign. Last evaluated: 2026-07-01. Review status: criteria provided, single submitter. Criteria: CeGaT Center For Human Genetics Tuebingen Variant Classification Criteria Version 2. Collection method: clinical testing. Allele origin: germline. Affected: yes. Observed: 2 variant alleles.
Comment: COL9A1: PP3, BS1

Labcorp Genetics (formerly Invitae), Labcorp
Classification: Likely benign. Last evaluated: 2026-01-29. Review status: criteria provided, single submitter. Criteria: Invitae Variant Classification Sherloc (09022015). Collection method: clinical testing. Allele origin: germline.

Mayo Clinic Laboratories, Mayo Clinic
Classification: Uncertain significance. Last evaluated: 2025-05-08. Review status: criteria provided, single submitter. Criteria: ACMG Guidelines, 2015. Collection method: clinical testing. Allele origin: germline. Observed: 2 variant alleles.
Comment: BS1, PP3, PM1

Blueprint Genetics
Classification: Likely benign. Last evaluated: 2024-11-25. Review status: criteria provided, single submitter. Criteria: ACMG Guidelines, 2015. Collection method: clinical testing. Allele origin: germline.

GeneDx
Classification: Likely benign. Last evaluated: 2021-06-09. Review status: criteria provided, single submitter. Criteria: GeneDx Variant Classification Process June 2021. Collection method: clinical testing. Allele origin: germline. Affected: yes.
Comment: This variant is associated with the following publications: (PMID: 30467950, 27535533, 26582918)

Eurofins Ntd Llc (ga)
Classification: Benign. Last evaluated: 2017-06-14. Review status: criteria provided, single submitter. Criteria: EGL Classification Definitions 2015. Collection method: clinical testing. Allele origin: germline. Observed: 6 variant alleles, 6 heterozygotes.

PreventionGenetics, part of Exact Sciences
Classification: Benign for COL9A1-related condition. Last evaluated: 2019-07-09. Review status: no assertion criteria provided. Collection method: clinical testing. Allele origin: germline. Not counted in ClinVar's aggregate classification.
Comment: This variant is classified as benign based on ACMG/AMP sequence variant interpretation guidelines (Richards et al. 2015 PMID: 25741868, with internal and published modifications).

Clinical Genetics, Academic Medical Center
Classification: Benign. Review status: no assertion criteria provided. Collection method: clinical testing. Allele origin: germline. Affected: yes. Study: VKGL Data-share Consensus. Not counted in ClinVar's aggregate classification.

Laboratory of Diagnostic Genome Analysis, Leiden University Medical Center (LUMC)
Classification: Likely benign. Review status: no assertion criteria provided. Collection method: clinical testing. Allele origin: germline. Affected: yes. Study: VKGL Data-share Consensus. Not counted in ClinVar's aggregate classification.

Literature cited by the submitters: PubMed 30467950 (cited by Mayo Clinic Laboratories, Mayo Clinic).

NM_001851.6(COL9A1):c.904G>A (p.Gly302Ser)

Gene: COL9A1 (collagen type IX alpha 1 chain; minus strand). Cytogenetic location: 6q13.
Variant type: single nucleotide variant.
Coding change: c.904G>A on transcript NM_001851.6 (MANE Select); coding-DNA position 904, G replaced by A.
Protein change: p.Gly302Ser; replaces glycine 302 with serine.
Molecular consequence: missense variant. On other transcripts: non-coding transcript variant (1).
Genome position (GRCh38, 1-based): chr6:70,281,012, C>T on the plus strand (G>A on the coding strand, the complement: COL9A1 is on the minus strand). VCF-style: chr6-70281012-C-T. GRCh37 (hg19) VCF-style: chr6-70990715-C-T.
Other names: p.Gly302Ser; c.175G>A, p.Gly59Ser (NM_001377289.1, NM_001377290.1, NM_078485.4); c.904G>A, p.Gly302Ser (NM_001377291.1); c.904G>A (NM_001851.5); short protein forms G302S, G59S.
Identifiers: ClinVar variation 199071 (VCV000199071.46), dbSNP rs151129325, ClinGen allele CA248070.